The following is an entry in ClinVar:

ClinVar aggregate classification (germline): Conflicting classifications of pathogenicity. Review status: criteria provided, conflicting classifications (1 of 4 stars). 4 submissions from 3 submitters: Uncertain significance (2); Likely benign (2). Last evaluated 2025-11-24.

Conditions:
Ehlers-Danlos syndrome, classic type, 1 (EDSCL1). Also called: EHLERS-DANLOS SYNDROME, GRAVIS TYPE; EHLERS-DANLOS SYNDROME, SEVERE CLASSIC TYPE; EDS I; Ehlers-Danlos Syndrome, Classic Type, COL5A1-Related; Ehlers-Danlos syndrome, type 1. Identifiers: MedGen C0268335, MONDO:0019567, OMIM 130000.
Fibromuscular dysplasia, multifocal. Identifiers: MedGen C5543412, MONDO:0859151, OMIM 619329.
Ehlers-Danlos syndrome, classic type (cEDS). Identifiers: Orphanet 287, MedGen C4225429, MONDO:0007522.

Allele frequency attached by ClinVar (database versions not stated): gnomAD 0.00017 and 0.00014; TOPMed 0.00016; ExAC 0.00006; ESP Exome Variant Server 0.00015; 1000 Genomes Project 30x 0.00016; 1000 Genomes Project 0.00020.
gnomAD v4.1: 48 of 1,601,814 alleles (0.003%); highest among the groups gnomAD compares: African/African-American, 0.051%; no homozygotes.

Submissions (4):

Women's Health and Genetics/Laboratory Corporation of America, LabCorp
Classification: Likely benign. Last evaluated: 2025-11-24. Review status: criteria provided, single submitter. Criteria: LabCorp Variant Classification Summary - May 2015. Collection method: clinical testing. Allele origin: germline.

Labcorp Genetics (formerly Invitae), Labcorp
Classification: Likely benign for Ehlers-Danlos syndrome, classic type, 1. Last evaluated: 2025-08-03. Review status: criteria provided, single submitter. Criteria: Invitae Variant Classification Sherloc (09022015). Collection method: clinical testing. Allele origin: germline.

Center for Genomics, Ann and Robert H. Lurie Children's Hospital of Chicago
Classification: Uncertain significance for Ehlers-Danlos syndrome, classic type, 1. Last evaluated: 2020-08-03. Review status: criteria provided, single submitter. Criteria: ACMG Guidelines, 2015. Collection method: clinical testing. Allele origin: germline.
Comment: COL5A1 NM_000093.4 exon 65 c.5137-8C>T: This variant has not been reported in the literature but is present in 0.04% (11/24546) of African alleles in the Genome Aggregation Database. Evolutionary conservation and computational predictive tools for this variant are limited or unavailable. Although this variant occurs in the splice region, computational prediction tools do not suggest that it alters splicing. However, further studies are needed to understand its impact. In summary, data on this variant is insufficient for disease classification. Therefore, the clinical significance of this variant is uncertain.

Center for Genomics, Ann and Robert H. Lurie Children's Hospital of Chicago
Classification: Uncertain significance for Ehlers-Danlos syndrome, classic type, 1; Fibromuscular dysplasia, multifocal. Review status: criteria provided, single submitter. Criteria: ACMG Guidelines, 2015. Collection method: clinical testing. Allele origin: germline.
Comment: COL5A1 NM_000093.4 exon 65 c.5137-8C>T: This variant has not been reported in the literature but is present in 0.04% (11/24546) of African alleles in the Genome Aggregation Database. Evolutionary conservation and computational predictive tools for this variant are limited or unavailable. Although this variant occurs in the splice region, computational prediction tools do not suggest that it alters splicing. However, further studies are needed to understand its impact. In summary, data on this variant is insufficient for disease classification. Therefore, the clinical significance of this variant is uncertain

NM_000093.5(COL5A1):c.5137-8C>T

Genes: COL5A1 (collagen type V alpha 1 chain; plus strand), LOC101448202 (uncharacterized LOC101448202; minus strand). Cytogenetic location: 9q34.3.
Variant type: single nucleotide variant.
Coding change: c.5137-8C>T on transcript NM_000093.5 (MANE Select); 8 bases into the intron before coding-DNA position 5137, C replaced by T.
Molecular consequence: intron variant.
Genome position (GRCh38, 1-based): chr9:134,834,963, C>T. VCF-style: chr9-134834963-C-T. GRCh37 (hg19) VCF-style: chr9-137726809-C-T.
Other names: c.5137-8C>T (NM_001278074.1).
Identifiers: ClinVar variation 992509 (VCV000992509.15), dbSNP rs374377228, ClinGen allele CA5320658.